The following is an entry in ClinVar:

NM_002839.4(PTPRD):c.2643A>C (p.Thr881=)

Genes: PTPRD (protein tyrosine phosphatase receptor type D; minus strand), LOC126860578 (MED14-independent group 3 enhancer GRCh37_chr9:8485393-8486592; plus strand). Cytogenetic location: 9p24.1.
Variant type: single nucleotide variant.
Coding change: c.2643A>C on transcript NM_002839.4 (MANE Select); coding-DNA position 2643, A replaced by C.
Protein change: p.Thr881=; no amino-acid change (threonine 881 retained).
Molecular consequence: synonymous variant. On other transcripts: intron variant (7).
Genome position (GRCh38, 1-based): chr9:8,486,174, T>G on the plus strand (A>C on the coding strand, the complement: PTPRD is on the minus strand). VCF-style: chr9-8486174-T-G. GRCh37 (hg19) VCF-style: chr9-8486174-T-G.
Other names: c.2643A>C, p.Thr881= (NM_001377958.1, NM_001378058.1); c.1793-850A>C (NM_001171025.2); c.1805-850A>C (NM_001377946.1); c.1814-847A>C (NM_001377947.1); c.1823-850A>C (NM_130391.4, NM_130392.3); c.1814-850A>C (NM_001040712.2); c.1805-847A>C (NM_130393.3).
Identifiers: ClinVar variation 733743 (VCV000733743.28), dbSNP rs61733191, ClinGen allele CA4984041.

ClinVar aggregate classification (germline): Benign/Likely benign. Review status: criteria provided, multiple submitters, no conflicts (2 of 4 stars). 3 submissions from 3 submitters: Benign (1); Likely benign (1). 1 of the submissions does not count toward it. Last evaluated 2022-09-01.

Conditions:
PTPRD-related disorder. Also called: PTPRD-related condition.

Allele frequency attached by ClinVar (database versions not stated): gnomAD exomes 0.00034; ExAC 0.00035; 1000 Genomes Project 30x 0.00125; gnomAD 0.00129 and 0.00146; 1000 Genomes Project 0.00140; TOPMed 0.00147; ESP Exome Variant Server 0.00161.
gnomAD v4.1: 409 of 1,614,190 alleles (0.025%); highest among the groups gnomAD compares: African/African-American, 0.45%; 1 homozygote.

Submissions (3):

CeGaT Center for Human Genetics Tuebingen
Classification: Likely benign. Last evaluated: 2022-09-01. Review status: criteria provided, single submitter. Criteria: CeGaT Center For Human Genetics Tuebingen Variant Classification Criteria Version 2. Collection method: clinical testing. Allele origin: germline. Affected: yes. Observed: 1 variant allele.
Comment: PTPRD: BP4, BP7

Labcorp Genetics (formerly Invitae), Labcorp
Classification: Benign. Last evaluated: 2018-01-08. Review status: criteria provided, single submitter. Criteria: Invitae Variant Classification Sherloc (09022015). Collection method: clinical testing. Allele origin: germline.

PreventionGenetics, part of Exact Sciences
Classification: Likely benign for PTPRD-related condition. Last evaluated: 2022-02-10. Review status: no assertion criteria provided. Collection method: clinical testing. Allele origin: germline. Not counted in ClinVar's aggregate classification.
Comment: This variant is classified as likely benign based on ACMG/AMP sequence variant interpretation guidelines (Richards et al. 2015 PMID: 25741868, with internal and published modifications).